The following is an entry in ClinVar:

ClinVar aggregate classification (germline): Benign/Likely benign. Review status: criteria provided, multiple submitters, no conflicts (2 of 4 stars). 4 submissions from 4 submitters: Benign (1); Likely benign (3). Last evaluated 2025-08-31.

Conditions:
Porphobilinogen synthase deficiency. Also called: ALAD DEFICIENCY; DELTA-AMINOLEVULINATE DEHYDRATASE DEFICIENCY; DOSS PORPHYRIA; PORPHYRIA, ALAD; Porphyria due to ALA dehydratase deficiency. Identifiers: Orphanet 100924, MedGen C0268328, MONDO:0013000, OMIM 612740.
ALAD-related disorder. Also called: ALAD-related condition.

Allele frequency attached by ClinVar (database versions not stated): gnomAD exomes 0.00019 and 0.00051; ExAC 0.00067; gnomAD 0.00183 and 0.00195; ESP Exome Variant Server 0.00254; TOPMed 0.00194; 1000 Genomes Project 0.00200; 1000 Genomes Project 30x 0.00203.
gnomAD v4.1: 581 of 1,613,558 alleles (0.036%); highest among the groups gnomAD compares: African/African-American, 0.66%; 1 homozygote.

Submissions (4):

Labcorp Genetics (formerly Invitae), Labcorp
Classification: Benign. Last evaluated: 2025-08-31. Review status: criteria provided, single submitter. Criteria: Invitae Variant Classification Sherloc (09022015). Collection method: clinical testing. Allele origin: germline.

PreventionGenetics, part of Exact Sciences
Classification: Likely benign for ALAD-related condition. Last evaluated: 2025-03-29. Review status: criteria provided, single submitter. Criteria: ACMG Guidelines, 2015. Collection method: clinical testing. Allele origin: germline.
Comment: This variant is classified as likely benign based on ACMG/AMP sequence variant interpretation guidelines (Richards et al. 2015 PMID: 25741868, with internal and published modifications).

Illumina Laboratory Services, Illumina
Classification: Likely benign for Porphobilinogen synthase deficiency. Last evaluated: 2018-01-13. Review status: criteria provided, single submitter. Criteria: ICSL Variant Classification Criteria 13 December 2019. Collection method: clinical testing. Allele origin: germline.
Comment: This variant was observed in the ICSL laboratory as part of a predisposition screen in an ostensibly healthy population. It had not been previously curated by ICSL or reported in the Human Gene Mutation Database (HGMD: prior to June 1st, 2018), and was therefore a candidate for classification through an automated scoring system. Utilizing variant allele frequency, disease prevalence and penetrance estimates, and inheritance mode, an automated score was calculated to assess if this variant is too frequent to cause the disease. Based on the score and internal cut-off values, a variant classified as likely benign is not then subjected to further curation. The score for this variant resulted in a classification of likely benign for this disease.

Breakthrough Genomics
Classification: Likely benign. Review status: criteria provided, single submitter. Criteria: ACMG Guidelines, 2015. Collection method: not provided. Allele origin: germline. Inheritance: Autosomal recessive inheritance. Affected: yes.

NM_000031.6(ALAD):c.15C>T (p.Ser5=)

Gene: ALAD (aminolevulinate dehydratase; minus strand). Cytogenetic location: 9q32.
Variant type: single nucleotide variant.
Coding change: c.15C>T on transcript NM_000031.6 (MANE Select); coding-DNA position 15, C replaced by T.
Protein change: p.Ser5=; no amino-acid change (serine 5 retained).
Molecular consequence: synonymous variant. On other transcripts: 5 prime UTR variant (1).
Genome position (GRCh38, 1-based): chr9:113,393,545, G>A on the plus strand (C>T on the coding strand, the complement: ALAD is on the minus strand). VCF-style: chr9-113393545-G-A. GRCh37 (hg19) VCF-style: chr9-116155825-G-A.
Other names: c.-65C>T (NM_001003945.3); c.42C>T, p.Ser14= (NM_001317745.2).
Identifiers: ClinVar variation 364656 (VCV000364656.15), dbSNP rs144608303, ClinGen allele CA5196676.